The following is an entry in ClinVar:

NM_001278512.2(AP3B2):c.3124C>T (p.Arg1042Cys)

Genes: CPEB1-AS1 (CPEB1 antisense RNA 1; plus strand), AP3B2 (adaptor related protein complex 3 subunit beta 2; minus strand). Cytogenetic location: 15q25.2.
Variant type: single nucleotide variant.
Coding change: c.3124C>T on transcript NM_001278512.2 (MANE Select); coding-DNA position 3124, C replaced by T.
Protein change: p.Arg1042Cys; replaces arginine 1042 with cysteine.
Molecular consequence: missense variant.
Genome position (GRCh38, 1-based): chr15:82,659,876, G>A on the plus strand (C>T on the coding strand, the complement: AP3B2 is on the minus strand). VCF-style: chr15-82659876-G-A. GRCh37 (hg19) VCF-style: chr15-83328628-G-A.
Other names: c.2971C>T, p.Arg991Cys (NM_001278511.2); c.256C>T, p.Arg86Cys (NM_001348441.2); c.3067C>T, p.Arg1023Cys (NM_004644.5); short protein forms R86C, R991C, R1042C, R1023C.
Identifiers: ClinVar variation 1374115 (VCV001374115.7), dbSNP rs184339082, ClinGen allele CA7699696.
Genomic context (GRCh38, chr15:82,659,876, plus strand): 5'-TCATTTCCCCTCTACTGGTGGCCTAGTACCTGTACTCATCAGATGTCCCACAAGGAACAC[G>A]ACCCAGGTTGGCAGTGGCAGTCACTTTCTGCACCACAATGTGGTCACTCCGACAGGTGTC-3'
Protein context (NP_001265441.1, residues 1032-1052): QKVTATANLG[Arg1042Cys]VPCGTSDEYR

ClinVar aggregate classification (germline): Uncertain significance (1 of 4 stars; one submission).

gnomAD v4.1: 20 of 1,613,968 alleles (0.0012%); highest among the groups gnomAD compares: Admixed American, 0.0067%; no homozygotes.

Submission:

Labcorp Genetics (formerly Invitae), Labcorp
Classification: Uncertain significance. Last evaluated: 2024-02-17. Review status: criteria provided, single submitter. Criteria: Invitae Variant Classification Sherloc (09022015). Collection method: clinical testing. Allele origin: germline.
Comment: This sequence change replaces arginine, which is basic and polar, with cysteine, which is neutral and slightly polar, at codon 1023 of the AP3B2 protein (p.Arg1023Cys). This variant is present in population databases (rs184339082, gnomAD 0.009%). This variant has not been reported in the literature in individuals affected with AP3B2-related conditions. ClinVar contains an entry for this variant (Variation ID: 1374115). An algorithm developed to predict the effect of missense changes on protein structure and function (PolyPhen-2) suggests that this variant is likely to be disruptive. In summary, the available evidence is currently insufficient to determine the role of this variant in disease. Therefore, it has been classified as a Variant of Uncertain Significance.